The following is an entry in ClinVar:

ClinVar aggregate classification (germline): Pathogenic/Likely pathogenic. Review status: criteria provided, multiple submitters, no conflicts (2 of 4 stars). 3 submissions from 3 submitters: Pathogenic (1); Likely pathogenic (2). Last evaluated 2026-01-19.

Conditions:
Marfan syndrome (MFS). Also called: FBN1-Related Marfan Syndrome; MARFAN SYNDROME, TYPE I; Marfan syndrome type 1; Marfan's syndrome; Marfan syndrome, classic. Identifiers: Orphanet 284963, Orphanet 558, MedGen C0024796, MONDO:0007947, OMIM 154700.
Familial thoracic aortic aneurysm and aortic dissection (TAAD). Also called: Thoracic aortic aneurysms and dissections. Identifiers: Orphanet 91387, MedGen C4707243, MONDO:0019625.
FBN1-related disorder. Also called: FBN1-related disorders.

Submissions (3):

Labcorp Genetics (formerly Invitae), Labcorp
Classification: Pathogenic for Marfan syndrome; Familial thoracic aortic aneurysm and aortic dissection. Last evaluated: 2026-01-19. Review status: criteria provided, single submitter. Criteria: Invitae Variant Classification Sherloc (09022015). Collection method: clinical testing. Allele origin: germline.
Comment: This sequence change replaces aspartic acid, which is acidic and polar, with glycine, which is neutral and non-polar, at codon 1406 of the FBN1 protein (p.Asp1406Gly). This variant is not present in population databases (gnomAD no frequency). This missense change has been observed in individuals with FBN1-related conditions (PMID: 11175294, 17657824, 36517271; internal data). ClinVar contains an entry for this variant (Variation ID: 973318). Invitae Evidence Modeling of protein sequence and biophysical properties (such as structural, functional, and spatial information, amino acid conservation, physicochemical variation, residue mobility, and thermodynamic stability) indicates that this missense variant is expected to disrupt FBN1 protein function with a positive predictive value of 95%. Experimental studies have shown that this missense change affects FBN1 function (PMID: 11706995). For these reasons, this variant has been classified as Pathogenic.

Blueprint Genetics
Classification: Likely pathogenic for FBN1-related disorders. Last evaluated: 2024-02-22. Review status: criteria provided, single submitter. Criteria: ACMG Guidelines, 2015. Collection method: clinical testing. Allele origin: germline. Affected: yes. Observed: 1 variant allele.

Illumina Laboratory Services, Illumina
Classification: Likely pathogenic for Marfan syndrome. Last evaluated: 2019-10-11. Review status: criteria provided, single submitter. Criteria: ICSLVariantClassificationCriteria RUGD 01 April 2020. Collection method: clinical testing. Allele origin: unknown.
Comment: The FBN1 c.4217A>G (p.Asp1406Gly) variant is a missense variant that has been reported in a heterozygous state in one individual with classic Marfan syndrome diagnosed according to the Berlin or revised Ghent nosology (Tiecke et al. 2001). The variant was inherited and was described as segregating with the phenotype in the family, although no details are given. This variant is not found in the Genome Aggregation Database despite its location in a region of good sequencing coverage. It is therefore presumed to be rare. The p.Asp1406Gly variant affects a conserved residue in one of the 47 calcium binding EGF repeats of fibrillin-1 and is predicted to have a deleterious effect by multiple in silico algorithms. In vitro analysis also suggest that the variant may increase the susceptibility of fibrillin-1 to protease degradation (Robinson and Booms 2001). Based on the collective evidence, the p.Asp1406Gly variant is classified as likely pathogenic for Marfan syndrome.

Literature cited by the submitters: PubMed 11175294 (cited by Labcorp Genetics (formerly Invitae), Labcorp and Illumina Laboratory Services, Illumina); PubMed 17657824 (cited by Labcorp Genetics (formerly Invitae), Labcorp); PubMed 36517271 (cited by Labcorp Genetics (formerly Invitae), Labcorp); PubMed 11706995 (cited by Labcorp Genetics (formerly Invitae), Labcorp and Illumina Laboratory Services, Illumina).

NM_000138.5(FBN1):c.4217A>G (p.Asp1406Gly)

Genes: FBN1 (fibrillin 1; minus strand), LOC126862124 (CDK7 strongly-dependent group 2 enhancer GRCh37_chr15:48764566-48765765; plus strand). Cytogenetic location: 15q21.1.
Variant type: single nucleotide variant.
Coding change: c.4217A>G on transcript NM_000138.5 (MANE Select); coding-DNA position 4217, A replaced by G.
Protein change: p.Asp1406Gly; replaces aspartic acid 1406 with glycine.
Molecular consequence: missense variant.
Genome position (GRCh38, 1-based): chr15:48,472,670, T>C on the plus strand (A>G on the coding strand, the complement: FBN1 is on the minus strand). VCF-style: chr15-48472670-T-C. GRCh37 (hg19) VCF-style: chr15-48764867-T-C.
Other names: short protein forms D1406G.
Identifiers: ClinVar variation 973318 (VCV000973318.12), dbSNP rs2043386794, ClinGen allele CA392318140.